The following is an entry in ClinVar:

ClinVar aggregate classification (germline): Uncertain significance (1 of 4 stars; one submission).

Allele frequency attached by ClinVar (database versions not stated): gnomAD exomes below 0.00001.
gnomAD v4.1: 1 of 1,614,126 alleles (0.000062%); highest among the groups gnomAD compares: Non-Finnish European, 0.000085%; no homozygotes.

Submission:

Ambry Genetics
Classification: Uncertain significance. Last evaluated: 2024-03-09. Review status: criteria provided, single submitter. Criteria: Ambry Variant Classification Scheme 2023. Collection method: clinical testing. Allele origin: germline.
Comment: The p.V157I variant (also known as c.469G>A), located in coding exon 6 of the NPAT gene, results from a G to A substitution at nucleotide position 469. The valine at codon 157 is replaced by isoleucine, an amino acid with highly similar properties. This amino acid position is conserved. In addition, this alteration is predicted to be tolerated by in silico analysis. Based on the available evidence, the clinical significance of this alteration remains unclear.

NM_002519.3(NPAT):c.469G>A (p.Val157Ile)

Gene: NPAT (nuclear protein, coactivator of histone transcription; minus strand). Cytogenetic location: 11q22.3.
Variant type: single nucleotide variant.
Coding change: c.469G>A on transcript NM_002519.3 (MANE Select); coding-DNA position 469, G replaced by A.
Protein change: p.Val157Ile; replaces valine 157 with isoleucine.
Molecular consequence: missense variant.
Genome position (GRCh38, 1-based): chr11:108,189,193, C>T on the plus strand (G>A on the coding strand, the complement: NPAT is on the minus strand). VCF-style: chr11-108189193-C-T. GRCh37 (hg19) VCF-style: chr11-108059920-C-T.
Other names: c.469G>A, p.Val157Ile (NM_001321307.1); short protein forms V157I.
Identifiers: ClinVar variation 3222634 (VCV003222634.1), dbSNP rs2496745529, ClinGen allele CA382524577.